The following is an entry in ClinVar:

NM_001151.4(SLC25A4):c.91A>G (p.Arg31Gly)

Gene: SLC25A4 (solute carrier family 25 member 4; plus strand). Cytogenetic location: 4q35.1.
Variant type: single nucleotide variant.
Coding change: c.91A>G on transcript NM_001151.4 (MANE Select); coding-DNA position 91, A replaced by G.
Protein change: p.Arg31Gly; replaces arginine 31 with glycine.
Molecular consequence: missense variant.
Genome position (GRCh38, 1-based): chr4:185,143,463, A>G. VCF-style: chr4-185143463-A-G. GRCh37 (hg19) VCF-style: chr4-186064617-A-G.
Other names: short protein forms R31G.
Identifiers: ClinVar variation 1713956 (VCV001713956.5), dbSNP rs2477166082, ClinGen allele CA358895840.
Genomic context (GRCh38, chr4:185,143,463, plus strand): 5'-GACTTCCTGGCCGGGGGCGTCGCCGCTGCCGTCTCCAAGACCGCGGTCGCCCCCATCGAG[A>G]GGGTCAAACTGCTGCTGCAGGTGAGGACCGCGCGGTGCAAGAGGCGGGCGCGGGCGCGGC-3'
Protein context (NP_001142.2, residues 21-41): VSKTAVAPIE[Arg31Gly]VKLLLQVQHA

ClinVar aggregate classification (germline): Uncertain significance (1 of 4 stars; one submission).

Submission:

Labcorp Genetics (formerly Invitae), Labcorp
Classification: Uncertain significance. Last evaluated: 2022-07-27. Review status: criteria provided, single submitter. Criteria: Invitae Variant Classification Sherloc (09022015). Collection method: clinical testing. Allele origin: germline.
Comment: This sequence change replaces arginine, which is basic and polar, with glycine, which is neutral and non-polar, at codon 31 of the SLC25A4 protein (p.Arg31Gly). In summary, the available evidence is currently insufficient to determine the role of this variant in disease. Therefore, it has been classified as a Variant of Uncertain Significance. Algorithms developed to predict the effect of missense changes on protein structure and function are either unavailable or do not agree on the potential impact of this missense change (SIFT: "Deleterious"; PolyPhen-2: "Possibly Damaging"; Align-GVGD: "Class C0"). This variant has not been reported in the literature in individuals affected with SLC25A4-related conditions. This variant is not present in population databases (gnomAD no frequency).